The following is an entry in ClinVar:

ClinVar aggregate classification (germline): Uncertain significance (1 of 4 stars; one submission).

Conditions:
Inborn genetic diseases. Identifiers: MedGen C0950123, MeSH D030342.

Allele frequency attached by ClinVar (database versions not stated): ExAC 0.00002; gnomAD 0.00002; TOPMed 0.00002; gnomAD exomes 0.00003; ESP Exome Variant Server 0.00015.
gnomAD v4.1: 41 of 1,613,774 alleles (0.0025%); highest among the groups gnomAD compares: Non-Finnish European, 0.0033%; no homozygotes.

Submission:

Ambry Genetics
Classification: Uncertain significance for Inborn genetic diseases. Last evaluated: 2022-09-26. Review status: criteria provided, single submitter. Criteria: Ambry Variant Classification Scheme 2023. Collection method: clinical testing. Allele origin: germline.
Comment: The c.1528+2T>C intronic variant results from a T to C substitution two nucleotides after coding exon 12 of the NEK9 gene. Alterations that disrupt the canonical splice site are expected to cause aberrant splicing, resulting in an abnormal protein or a transcript that is subject to nonsense-mediated mRNA decay; however, +2T>C alterations are capable of generating wild-type transcripts in some genomic contexts and should be interpreted with caution (Lin, 2019). Based on data from gnomAD, the C allele has an overall frequency of 0.002% (6/282810) total alleles studied. The highest observed frequency was 0.005% (6/129150) of European (non-Finnish) alleles. This nucleotide position is highly conserved in available vertebrate species. In silico splice site analysis predicts that this alteration will weaken the native splice donor site. Based on insufficient or conflicting evidence, the clinical significance of this alteration remains unclear.

Literature cited by the submitters: PubMed 31131953.

NM_033116.6(NEK9):c.1528+2T>C

Gene: NEK9 (NIMA related kinase 9; minus strand). Cytogenetic location: 14q24.3.
Variant type: single nucleotide variant.
Coding change: c.1528+2T>C on transcript NM_033116.6 (MANE Select); the canonical splice donor site of the intron after coding-DNA position 1528, T replaced by C.
Molecular consequence: splice donor variant. On other transcripts: synonymous variant (1).
Genome position (GRCh38, 1-based): chr14:75,106,500, A>G on the plus strand (T>C on the coding strand, the complement: NEK9 is on the minus strand). VCF-style: chr14-75106500-A-G. GRCh37 (hg19) VCF-style: chr14-75573203-A-G.
Other names: c.1530T>C, p.Gly510= (NM_001329237.2); c.1174+2T>C (NM_001329238.2).
Identifiers: ClinVar variation 2400430 (VCV002400430.2), dbSNP rs145329238, ClinGen allele CA7276967.